The following is an entry in ClinVar:

NM_000182.5(HADHA):c.2005T>G (p.Ser669Ala)

Genes: HADHA (hydroxyacyl-CoA dehydrogenase trifunctional multienzyme complex subunit alpha; minus strand), GAREM2 (GRB2 associated regulator of MAPK1 subtype 2; plus strand). Cytogenetic location: 2p23.3.
Variant type: single nucleotide variant.
Coding change: c.2005T>G on transcript NM_000182.5 (MANE Select); coding-DNA position 2005, T replaced by G.
Protein change: p.Ser669Ala; replaces serine 669 with alanine.
Molecular consequence: missense variant.
Genome position (GRCh38, 1-based): chr2:26,191,624, A>C on the plus strand (T>G on the coding strand, the complement: HADHA is on the minus strand). VCF-style: chr2-26191624-A-C. GRCh37 (hg19) VCF-style: chr2-26414493-A-C.
Other names: short protein forms S669A.
Identifiers: ClinVar variation 950465 (VCV000950465.10), dbSNP rs1669507749, ClinGen allele CA346113799.

ClinVar aggregate classification (germline): Uncertain significance (1 of 4 stars; one submission).

Conditions:
Mitochondrial trifunctional protein deficiency. Identifiers: Orphanet 746, MedGen C1969443, MONDO:0012172.
Long chain 3-hydroxyacyl-CoA dehydrogenase deficiency. Also called: Deficiency of long-chain 3-hydroxyacyl-coenzyme A dehydrogenase; LCHAD Deficiency. Identifiers: Orphanet 5, MedGen C3711645, MONDO:0012173, OMIM 609016.

Allele frequency attached by ClinVar (database versions not stated): gnomAD exomes below 0.00001.
gnomAD v4.1: 1 of 1,613,992 alleles (0.000062%); highest among the groups gnomAD compares: Non-Finnish European, 0.000085%; no homozygotes.

Submission:

Labcorp Genetics (formerly Invitae), Labcorp
Classification: Uncertain significance for Mitochondrial trifunctional protein deficiency; Long chain 3-hydroxyacyl-CoA dehydrogenase deficiency. Last evaluated: 2019-07-19. Review status: criteria provided, single submitter. Criteria: Invitae Variant Classification Sherloc (09022015). Collection method: clinical testing. Allele origin: germline.
Comment: In summary, the available evidence is currently insufficient to determine the role of this variant in disease. Therefore, it has been classified as a Variant of Uncertain Significance. Algorithms developed to predict the effect of missense changes on protein structure and function (SIFT, PolyPhen-2, Align-GVGD) all suggest that this variant is likely to be tolerated, but these predictions have not been confirmed by published functional studies and their clinical significance is uncertain. This variant has not been reported in the literature in individuals with HADHA-related conditions. This variant is not present in population databases (ExAC no frequency). This sequence change replaces serine with alanine at codon 669 of the HADHA protein (p.Ser669Ala). The serine residue is moderately conserved and there is a moderate physicochemical difference between serine and alanine.